The following is an entry in ClinVar:

ClinVar aggregate classification (germline): Pathogenic/Likely pathogenic. Review status: criteria provided, multiple submitters, no conflicts (2 of 4 stars). 4 submissions from 4 submitters: Pathogenic (3); Likely pathogenic (1). Last evaluated 2024-04-12.

Conditions:
Spastic paraplegia. Identifiers: MedGen C0037772, HP:0001258.
Charlevoix-Saguenay spastic ataxia (SACS). Also called: AUTOSOMAL RECESSIVE SPASTIC ATAXIA OF CHARLEVOIX-SAGUENAY; SPASTIC ATAXIA 6, AUTOSOMAL RECESSIVE; Spastic ataxia of Charlevoix-Saguenay. Identifiers: Orphanet 98, MedGen C1849140, MONDO:0010041, OMIM 270550.

Submissions (4):

Fulgent Genetics
Classification: Likely pathogenic for Charlevoix-Saguenay spastic ataxia. Last evaluated: 2024-04-12. Review status: criteria provided, single submitter. Criteria: ACMG Guidelines, 2015. Collection method: clinical testing. Allele origin: germline.

Mayo Clinic Laboratories, Mayo Clinic
Classification: Pathogenic. Last evaluated: 2023-09-18. Review status: criteria provided, single submitter. Criteria: ACMG Guidelines, 2015. Collection method: clinical testing. Allele origin: germline. Observed: 1 variant allele.
Comment: PM2_moderate, PM3_supporting, PVS1_strong

Labcorp Genetics (formerly Invitae), Labcorp
Classification: Pathogenic for Spastic paraplegia. Last evaluated: 2023-04-17. Review status: criteria provided, single submitter. Criteria: Invitae Variant Classification Sherloc (09022015). Collection method: clinical testing. Allele origin: germline.
Comment: This variant is not present in population databases (gnomAD no frequency). This sequence change creates a premature translational stop signal (p.Tyr1670Leufs*20) in the SACS gene. While this is not anticipated to result in nonsense mediated decay, it is expected to disrupt the last 2910 amino acid(s) of the SACS protein. This premature translational stop signal has been observed in individual(s) with SACS-related conditions (PMID: 26288984). For these reasons, this variant has been classified as Pathogenic. This variant disrupts a region of the SACS protein in which other variant(s) (p.Tyr4538*) have been determined to be pathogenic (Invitae). This suggests that this is a clinically significant region of the protein, and that variants that disrupt it are likely to be disease-causing.

Athena Diagnostics
Classification: Pathogenic. Last evaluated: 2021-10-29. Review status: criteria provided, single submitter. Criteria: Athena Diagnostics Criteria. Collection method: clinical testing. Allele origin: unknown.
Comment: This variant is expected to result in the loss of a functional protein. This variant has not been reported in large, multi-ethnic general populations. This variant has been identified in at least one individual with clinical features associated with this gene.

Literature cited by the submitters: PubMed 26288984 (cited by 3 submitters).

NM_014363.6(SACS):c.5008_5011del (p.Tyr1670fs)

Gene: SACS (sacsin molecular chaperone; minus strand). Cytogenetic location: 13q12.12.
Variant type: Microsatellite.
Coding change: c.5008_5011del on transcript NM_014363.6 (MANE Select); coding-DNA positions 5008 to 5011, 4 bases deleted (TATT; older notation c.5008_5011delTATT).
Protein change: p.Tyr1670fs; shifts the reading frame from tyrosine 1670.
Molecular consequence: frameshift variant.
Genome position (GRCh38, 1-based): chr13:23,338,865-23,338,868, AATA deleted on the plus strand (TATT on the coding strand, the reverse complement: SACS is on the minus strand); deleting any 4 consecutive bases within chr13:23,338,865-23,338,872 gives the same sequence; the c. name uses the placement nearest the transcript's 3' end. VCF-style (leftmost placement, unchanged base first): chr13-23338864-GAATA-G. GRCh37 (hg19) VCF-style: chr13-23913003-GAATA-G.
Other names: p.Tyr1670Leufs*20; c.4567_4570del, p.Tyr1523fs (NM_001278055.2); short protein forms Y1523fs, Y1670fs.
Identifiers: ClinVar variation 1074005 (VCV001074005.12), dbSNP rs2137622518, ClinGen allele CA2580614623.